The following is an entry in ClinVar:

ClinVar aggregate classification (germline): Pathogenic (1 of 4 stars; one submission).

Submission:

ISCA site 4
Classification: Pathogenic. Last evaluated: 2011-08-12. Review status: criteria provided, single submitter. Criteria: Kaminsky et al. (Genet Med. 2011). Collection method: clinical testing. Allele origin: unknown. Affected: yes. Observed: 1 variant allele.
Comment: Copy number variation identified through the course of routine clinical cytogenomic testing in postnatal populations. Clinical assertions have been curated as described in Kaminsky et al. 2011.

GRCh38/hg38 4p16.3(chr4:72555-2325477)x1

Genes: MAEA (macrophage erythroblast attacher, E3 ubiquitin ligase; plus strand), MIR4800 (microRNA 4800; minus strand), MIR571 (microRNA 571; plus strand), MIR943 (microRNA 943; minus strand), MXD4 (MAX dimerization protein 4; minus strand) and 152 more. Cytogenetic location: 4p16.3.
Variant type: copy number loss.
Change: copy number 1 (one copy instead of two) of chr4:72,555-2,325,477 (2.25 Mb, GRCh38 coordinates, 1-based), cytogenetic band 4p16.3.
Identifiers: ClinVar variation 57903 (VCV000057903.1).